The following is an entry in ClinVar:

ClinVar aggregate classification (germline): Pathogenic/Likely pathogenic. Review status: criteria provided, multiple submitters, no conflicts (2 of 4 stars). 2 submissions from 2 submitters: Pathogenic (1); Likely pathogenic (1). Last evaluated 2025-07-18.

Conditions:
Usher syndrome type 1 (USH1). Also called: RETINITIS PIGMENTOSA AND CONGENITAL DEAFNESS. Identifiers: Orphanet 231169, Orphanet 886, MedGen C1568247, MONDO:0010168, OMIM 276900.

gnomAD v4.1: 1 of 1,612,832 alleles (0.000062%); no homozygotes.

Submissions (2):

Natera, Inc.
Classification: Likely pathogenic for Usher syndrome type 1. Last evaluated: 2025-07-18. Review status: criteria provided, single submitter. Criteria: Natera Variant Classification Schema (03/2026). Collection method: clinical testing. Allele origin: germline.
Comment: The c.6253+2T>C variant in CDH23 is a canonical splice donor site variant predicted to affect pre-mRNA splicing, which may result in an abnormal transcript and altered protein product. This variant is expected to result in nonsense mediated decay, truncation, or a dysfunctional protein product. This variant is rare in the general population with a frequency below the threshold expected for the associated phenotype(s). Given the available evidence, this variant is classified as Likely Pathogenic.

Labcorp Genetics (formerly Invitae), Labcorp
Classification: Pathogenic. Last evaluated: 2022-03-26. Review status: criteria provided, single submitter. Criteria: Invitae Variant Classification Sherloc (09022015). Collection method: clinical testing. Allele origin: germline.
Comment: For these reasons, this variant has been classified as Pathogenic. Algorithms developed to predict the effect of sequence changes on RNA splicing suggest that this variant may disrupt the consensus splice site. Disruption of this splice site has been observed in individual(s) with CDH23-related conditions (Invitae). In at least one individual the data is consistent with being in trans (on the opposite chromosome) from a pathogenic variant. This variant is not present in population databases (gnomAD no frequency). This sequence change affects a donor splice site in intron 47 of the CDH23 gene. It is expected to disrupt RNA splicing. Variants that disrupt the donor or acceptor splice site typically lead to a loss of protein function (PMID: 16199547), and loss-of-function variants in CDH23 are known to be pathogenic (PMID: 11138009, 21940737).

Literature cited by the submitters: PubMed 16199547 (cited by Labcorp Genetics (formerly Invitae), Labcorp); PubMed 11138009 (cited by Labcorp Genetics (formerly Invitae), Labcorp); PubMed 21940737 (cited by Labcorp Genetics (formerly Invitae), Labcorp).

NM_022124.6(CDH23):c.6253+2T>C

Gene: CDH23 (cadherin related 23; plus strand). Cytogenetic location: 10q22.1.
Variant type: single nucleotide variant.
Coding change: c.6253+2T>C on transcript NM_022124.6 (MANE Select); the canonical splice donor site of the intron after coding-DNA position 6253, T replaced by C.
Molecular consequence: splice donor variant.
Genome position (GRCh38, 1-based): chr10:71,791,337, T>C. VCF-style: chr10-71791337-T-C. GRCh37 (hg19) VCF-style: chr10-73551094-T-C.
Other names: c.6253+2T>C (NM_022124.5).
Identifiers: ClinVar variation 2117564 (VCV002117564.5), dbSNP rs2494378027, ClinGen allele CA377153299.
Genomic context (GRCh38, chr10:71,791,337, plus strand): 5'-CCGGCCCACCTTTAGCCCTGCCACCCTCACTGTCCATCTGCTAGAGAACTGCCCGCCTGG[T>C]AAGCAGGGGACAGGCCCCAGCACCCCACAACCAGGGGCCGGTTGGTGGTCACAGGGGACT-3'